The following is an entry in ClinVar:

NM_021911.3(GABRB2):c.-136C>A

Gene: GABRB2 (gamma-aminobutyric acid type A receptor subunit beta2; minus strand). Cytogenetic location: 5q34.
Variant type: single nucleotide variant.
Coding change: c.-136C>A on transcript NM_021911.3; 136 bases upstream of the start codon, C replaced by A.
Molecular consequence: 5 prime UTR variant.
Genome position (GRCh38, 1-based): chr5:161,546,779, G>T on the plus strand (C>A on the coding strand, the complement: GABRB2 is on the minus strand). VCF-style: chr5-161546779-G-T. GRCh37 (hg19) VCF-style: chr5-160973785-G-T.
Other names: c.-136C>A (NM_000813.3).
Identifiers: ClinVar variation 515266 (VCV000515266.3), dbSNP rs890684223, ClinGen allele CA131044143.

ClinVar aggregate classification (germline): Likely benign (1 of 4 stars; one submission).

Allele frequency attached by ClinVar (database versions not stated): gnomAD exomes 0.00030; gnomAD 0.00007 and 0.00009; TOPMed 0.00012.
gnomAD v4.1: 399 of 1,473,284 alleles (0.027%); highest among the groups gnomAD compares: Non-Finnish European, 0.035%; 1 homozygote.

Submission:

GeneDx
Classification: Likely benign. Last evaluated: 2018-02-02. Review status: criteria provided, single submitter. Criteria: GeneDx Variant Classification (06012015). Collection method: clinical testing. Allele origin: germline. Affected: yes.
Comment: This variant is considered likely benign or benign based on one or more of the following criteria: it is a conservative change, it occurs at a poorly conserved position in the protein, it is predicted to be benign by multiple in silico algorithms, and/or has population frequency not consistent with disease.